The following is an entry in ClinVar:

ClinVar aggregate classification (germline): Uncertain significance. Review status: criteria provided, multiple submitters, no conflicts (2 of 4 stars). 2 submissions from 2 submitters: Uncertain significance (2). Last evaluated 2025-08-31.

Conditions:
Inborn genetic diseases. Identifiers: MedGen C0950123, MeSH D030342.

Allele frequency attached by ClinVar (database versions not stated): TOPMed below 0.00001; gnomAD 0.00001; gnomAD exomes 0.00002; ExAC 0.00003.
gnomAD v4.1: 23 of 1,613,806 alleles (0.0014%); highest among the groups gnomAD compares: South Asian, 0.025%; no homozygotes.

Submissions (2):

Ambry Genetics
Classification: Uncertain significance for Inborn genetic diseases. Last evaluated: 2025-08-31. Review status: criteria provided, single submitter. Criteria: Ambry Variant Classification Scheme 2023. Collection method: clinical testing. Allele origin: germline.

Labcorp Genetics (formerly Invitae), Labcorp
Classification: Uncertain significance. Last evaluated: 2023-11-28. Review status: criteria provided, single submitter. Criteria: Invitae Variant Classification Sherloc (09022015). Collection method: clinical testing. Allele origin: germline.
Comment: This sequence change replaces phenylalanine, which is neutral and non-polar, with cysteine, which is neutral and slightly polar, at codon 1750 of the MPDZ protein (p.Phe1750Cys). This variant is present in population databases (rs775059296, gnomAD 0.02%). This variant has not been reported in the literature in individuals affected with MPDZ-related conditions. ClinVar contains an entry for this variant (Variation ID: 1369643). An algorithm developed to predict the effect of missense changes on protein structure and function (PolyPhen-2) suggests that this variant is likely to be disruptive. In summary, the available evidence is currently insufficient to determine the role of this variant in disease. Therefore, it has been classified as a Variant of Uncertain Significance.

NM_001378778.1(MPDZ):c.5249T>G (p.Phe1750Cys)

Gene: MPDZ (multiple PDZ domain crumbs cell polarity complex component; minus strand). Cytogenetic location: 9p23.
Variant type: single nucleotide variant.
Coding change: c.5249T>G on transcript NM_001378778.1 (MANE Select); coding-DNA position 5249, T replaced by G.
Protein change: p.Phe1750Cys; replaces phenylalanine 1750 with cysteine.
Molecular consequence: missense variant.
Genome position (GRCh38, 1-based): chr9:13,119,632, A>C on the plus strand (T>G on the coding strand, the complement: MPDZ is on the minus strand). VCF-style: chr9-13119632-A-C. GRCh37 (hg19) VCF-style: chr9-13119631-A-C.
Other names: c.5150T>G, p.Phe1717Cys (NM_001261406.2, NM_001261407.2, NM_001375416.1 and 3 more transcripts); c.5249T>G, p.Phe1750Cys (NM_001330637.2, NM_003829.5); c.5348T>G, p.Phe1783Cys (NM_001375413.1); c.5039T>G, p.Phe1680Cys (NM_001375420.1, NM_001375421.1, NM_001375422.1 and 4 more transcripts); c.4841T>G, p.Phe1614Cys (NM_001375427.1); c.5249T>G (NM_003829.3); short protein forms F1717C, F1783C, F1614C, F1680C, F1750C.
Identifiers: ClinVar variation 1369643 (VCV001369643.9), dbSNP rs775059296, ClinGen allele CA4986365.
Genomic context (GRCh38, chr9:13,119,632, plus strand): 5'-TCTCCCTGCATCAGTCTTCCATCGGCATCTGCAATTCCTCCTTTGACAATGTCTGACACA[A>C]ATACTCCAGTATCGTTTCTACACACAATTTTGAATTTCAACATTATCTTTTGCTCAACTG-3'
Protein context (NP_001365707.1, residues 1740-1760): IVGKRNDTGV[Phe1750Cys]VSDIVKGGIA